The following is an entry in ClinVar:

ClinVar aggregate classification (germline): Uncertain significance (1 of 4 stars; one submission).

Conditions:
Phenylketonuria (PKU). Also called: OLIGOPHRENIA PHENYLPYRUVICA; Phenylketonurias; Phenylketonuria (PKU); FOLLING DISEASE. Identifiers: Orphanet 716, MedGen C0031485, MONDO:0009861, OMIM 261600. Disease mechanism: loss of function.

Allele frequency attached by ClinVar (database versions not stated): gnomAD exomes below 0.00001.
gnomAD v4.1: 1 of 1,614,170 alleles (0.000062%); highest among the groups gnomAD compares: Non-Finnish European, 0.000085%; no homozygotes.

Submission:

Labcorp Genetics (formerly Invitae), Labcorp
Classification: Uncertain significance for Phenylketonuria. Last evaluated: 2021-09-17. Review status: criteria provided, single submitter. Criteria: Invitae Variant Classification Sherloc (09022015). Collection method: clinical testing. Allele origin: germline.
Comment: This sequence change replaces glutamic acid with lysine at codon 221 of the PAH protein (p.Glu221Lys). The glutamic acid residue is highly conserved and there is a small physicochemical difference between glutamic acid and lysine. This variant is not present in population databases (ExAC no frequency). This variant has not been reported in the literature in individuals with PAH-related conditions. Advanced modeling of protein sequence and biophysical properties (such as structural, functional, and spatial information, amino acid conservation, physicochemical variation, residue mobility, and thermodynamic stability) performed at Invitae indicates that this missense variant is expected to disrupt PAH protein function. In summary, the available evidence is currently insufficient to determine the role of this variant in disease. Therefore, it has been classified as a Variant of Uncertain Significance.

NM_000277.3(PAH):c.661G>A (p.Glu221Lys)

Gene: PAH (phenylalanine hydroxylase; minus strand). Cytogenetic location: 12q23.2.
Variant type: single nucleotide variant.
Coding change: c.661G>A on transcript NM_000277.3 (MANE Select); coding-DNA position 661, G replaced by A.
Protein change: p.Glu221Lys; replaces glutamic acid 221 with lysine.
Molecular consequence: missense variant.
Genome position (GRCh38, 1-based): chr12:102,855,181, C>T on the plus strand (G>A on the coding strand, the complement: PAH is on the minus strand). VCF-style: chr12-102855181-C-T. GRCh37 (hg19) VCF-style: chr12-103248959-C-T.
Other names: c.661G>A, p.Glu221Lys (NM_001354304.2); short protein forms E221K.
Identifiers: ClinVar variation 1439279 (VCV001439279.5), dbSNP rs2136649314, ClinGen allele CA386296611.